The following is an entry in ClinVar:

NM_000254.3(MTR):c.3550_3551del (p.Thr1184fs)

Gene: MTR (5-methyltetrahydrofolate-homocysteine methyltransferase; plus strand). Cytogenetic location: 1q43.
Variant type: Microsatellite.
Coding change: c.3550_3551del on transcript NM_000254.3 (MANE Select); coding-DNA positions 3550 to 3551, 2 bases deleted (AC; older notation c.3550_3551delAC).
Protein change: p.Thr1184fs; shifts the reading frame from threonine 1184.
Molecular consequence: frameshift variant.
Genome position (GRCh38, 1-based): chr1:236,895,502-236,895,503, AC deleted; deleting any 2 consecutive bases within chr1:236,895,499-236,895,503 gives the same sequence; the c. name uses the placement nearest the transcript's 3' end. VCF-style (leftmost placement, unchanged base first): chr1-236895498-CCA-C. GRCh37 (hg19) VCF-style: chr1-237058798-CCA-C.
Other names: c.3397_3398del, p.Thr1133fs (NM_001291939.1); c.2329_2330del, p.Thr777fs (NM_001291940.2); c.3361_3362del, p.Thr1121fs (NM_001410942.1); short protein forms T1184fs, T1121fs, T777fs, T1133fs.
Identifiers: ClinVar variation 4775138 (VCV004775138.1).
Genomic context (GRCh38, chr1:236,895,498, plus strand): 5'-CCTGCGCAGGCTGCGGTACAAGGGCATCCGCCCGGCTCCTGGCTACCCCAGCCAGCCCGA[CCA>C]CACCGAGAAGCTCACCATGTGGAGACTCGCAGACATCGAGCAGTCTACAGGTAGGAGCCA-3'

ClinVar aggregate classification (germline): Pathogenic (1 of 4 stars; one submission).

Conditions:
Methylcobalamin deficiency type cblG (HMAG). Also called: Functional methionine synthase deficiency type cblG; HOMOCYSTINURIA-MEGALOBLASTIC ANEMIA, cblG TYPE; HOMOCYSTINURIA-MEGALOBLASTIC ANEMIA DUE TO DEFECT IN COBALAMIN METABOLISM, cblG COMPLEMENTATION TYPE; HOMOCYSTINURIA-MEGALOBLASTIC ANEMIA, cblG COMPLEMENTATION TYPE. Identifiers: Orphanet 2170, Orphanet 622, MedGen C1855128, MONDO:0009609, OMIM 250940.

Submission:

Labcorp Genetics (formerly Invitae), Labcorp
Classification: Pathogenic for Methylcobalamin deficiency type cblG. Last evaluated: 2025-05-14. Review status: criteria provided, single submitter. Criteria: Invitae Variant Classification Sherloc (09022015). Collection method: clinical testing. Allele origin: germline.
Comment: This sequence change creates a premature translational stop signal (p.Thr1184Argfs*18) in the MTR gene. It is expected to result in an absent or disrupted protein product. Loss-of-function variants in MTR are known to be pathogenic (PMID: 9683607, 12068375). This variant is not present in population databases (gnomAD no frequency). This variant has not been reported in the literature in individuals affected with MTR-related conditions. For these reasons, this variant has been classified as Pathogenic.

Literature cited by the submitters: PubMed 9683607; PubMed 12068375.